The following is an entry in ClinVar:

NM_032861.4(SERAC1):c.738+1927G>C

Gene: SERAC1 (serine active site containing 1; minus strand). Cytogenetic location: 6q25.3.
Variant type: single nucleotide variant.
Coding change: c.738+1927G>C on transcript NM_032861.4 (MANE Select); 1927 bases into the intron after coding-DNA position 738, G replaced by C.
Molecular consequence: intron variant.
Genome position (GRCh38, 1-based): chr6:158,141,129, C>G on the plus strand (G>C on the coding strand, the complement: SERAC1 is on the minus strand). VCF-style: chr6-158141129-C-G. GRCh37 (hg19) VCF-style: chr6-158562161-C-G.
Identifiers: ClinVar variation 2431594 (VCV002431594.1), dbSNP rs1784905471, ClinGen allele CA1096357584.

ClinVar aggregate classification (germline): Uncertain significance (1 of 4 stars; one submission).

Conditions:
3-methylglutaconic aciduria with deafness, encephalopathy, and Leigh-like syndrome (MEGDEL). Also called: MEGDEL syndrome; SERAC1 Deficiency; 3-METHYLGLUTACONIC ACIDURIA, TYPE VI. Identifiers: Orphanet 352328, MedGen C4040739, MONDO:0013875, OMIM 614739.

Allele frequency attached by ClinVar (database versions not stated): gnomAD 0.00001.
gnomAD v4.1: 1 of 152,218 alleles (0.00066%); highest among the groups gnomAD compares: African/African-American, 0.0024%; no homozygotes.

Submission:

Laboratorio de Genetica e Diagnostico Molecular, Hospital Israelita Albert Einstein
Classification: Uncertain significance for 3-methylglutaconic aciduria with deafness, encephalopathy, and Leigh-like syndrome. Last evaluated: 2022-11-11. Review status: criteria provided, single submitter. Criteria: ACMG Guidelines, 2015. Collection method: clinical testing. Allele origin: germline. Affected: yes. Observed: 1 variant allele.
Comment: ACMG classification criteria: PM2 moderated